The following is an entry in ClinVar:

ClinVar aggregate classification (germline): Pathogenic (1 of 4 stars; one submission).

Conditions:
Osteoporosis with pseudoglioma (OPPG). Also called: osteoporosis-pseudoglioma syndrome. Identifiers: Orphanet 2788, MedGen C0432252, MONDO:0009820, OMIM 259770.

Allele frequency attached by ClinVar (database versions not stated): ExAC 0.00001; gnomAD 0.00001; 1000 Genomes Project 30x 0.00016; 1000 Genomes Project 0.00020.
gnomAD v4.1: 1 of 1,614,144 alleles (0.000062%); highest among the groups gnomAD compares: African/African-American, 0.0013%; no homozygotes.

Submission:

3billion
Classification: Pathogenic for Osteoporosis with pseudoglioma. Last evaluated: 2022-03-22. Review status: criteria provided, single submitter. Criteria: ACMG Guidelines, 2015. Collection method: clinical testing. Allele origin: germline. Affected: yes. Observed: 1 homozygote.
Comment: Stop-gained (nonsense): predicted to result in a loss or disruption of normal protein function through nonsense-mediated decay (NMD) or protein truncation. Multiple pathogenic variants are reported downstream of the variant. The variant is observed at an extremely low frequency in the gnomAD v2.1.1 dataset (total allele frequency: 0.000004). Therefore, this variant is classified as pathogenic according to the recommendation of ACMG/AMP guideline.

NM_002335.4(LRP5):c.1512G>A (p.Trp504Ter)

Gene: LRP5 (LDL receptor related protein 5; plus strand). Cytogenetic location: 11q13.2.
Variant type: single nucleotide variant.
Coding change: c.1512G>A on transcript NM_002335.4 (MANE Select); coding-DNA position 1512, G replaced by A.
Protein change: p.Trp504Ter; replaces tryptophan 504 with a stop codon.
Molecular consequence: nonsense. On other transcripts: intron variant (1).
Genome position (GRCh38, 1-based): chr11:68,389,980, G>A. VCF-style: chr11-68389980-G-A. GRCh37 (hg19) VCF-style: chr11-68157448-G-A.
Other names: c.-354+3268G>A (NM_001291902.2); short protein forms W504*.
Identifiers: ClinVar variation 1526039 (VCV001526039.1), dbSNP rs545508982, ClinGen allele CA6149352.